The following is an entry in ClinVar:

NM_000051.4(ATM):c.3153+4A>G

Gene: ATM (ATM serine/threonine kinase; plus strand). Cytogenetic location: 11q22.3.
Variant type: single nucleotide variant.
Coding change: c.3153+4A>G on transcript NM_000051.4 (MANE Select); 4 bases into the intron after coding-DNA position 3153, A replaced by G.
Molecular consequence: intron variant.
Genome position (GRCh38, 1-based): chr11:108,272,611, A>G. VCF-style: chr11-108272611-A-G. GRCh37 (hg19) VCF-style: chr11-108143338-A-G.
Other names: c.3153+4A>G (NM_001351834.2).
Identifiers: ClinVar variation 924370 (VCV000924370.9), dbSNP rs1060501620, ClinGen allele CA1139662220.

ClinVar aggregate classification (germline): Uncertain significance. Review status: criteria provided, multiple submitters, no conflicts (2 of 4 stars). 3 submissions from 3 submitters: Uncertain significance (3). Last evaluated 2026-02-09.

Conditions:
Hereditary cancer-predisposing syndrome. Also called: Tumor predisposition; Hereditary neoplastic syndrome; Hereditary Cancer Syndrome; Neoplastic Syndromes, Hereditary. Identifiers: Orphanet 140162, MedGen C0027672, MeSH D009386, MONDO:0015356.
Ataxia-telangiectasia syndrome (AT). Also called: ATAXIA-TELANGIECTASIA, COMPLEMENTATION GROUP A; ATAXIA-TELANGIECTASIA, FRESNO VARIANT; Ataxia-telangiectasia; LOUIS-BAR SYNDROME; Ataxia-telangiectasia, complementation group E; Ataxia telangiectasia (A-T). Identifiers: Orphanet 100, MedGen C0004135, MONDO:0008840, OMIM 208900.

Submissions (3):

Ambry Genetics
Classification: Uncertain significance for Hereditary cancer-predisposing syndrome. Last evaluated: 2026-02-09. Review status: criteria provided, single submitter. Criteria: Ambry Variant Classification Scheme 2023. Collection method: clinical testing. Allele origin: germline.
Comment: The c.3153+4A>G intronic variant results from an A to G substitution 4 nucleotides after coding exon 20 in the ATM gene. This nucleotide position is well conserved in available vertebrate species. In silico splice site analysis predicts that this alteration will weaken the native splice donor site. Based on the available evidence, the clinical significance of this variant remains unclear.

Labcorp Genetics (formerly Invitae), Labcorp
Classification: Uncertain significance for Ataxia-telangiectasia syndrome. Last evaluated: 2025-03-14. Review status: criteria provided, single submitter. Criteria: Invitae Variant Classification Sherloc (09022015). Collection method: clinical testing. Allele origin: germline.
Comment: This sequence change falls in intron 21 of the ATM gene. It does not directly change the encoded amino acid sequence of the ATM protein. It affects a nucleotide within the consensus splice site. This variant is not present in population databases (gnomAD no frequency). This variant has been observed in individual(s) with breast cancer (PMID: 30306255). ClinVar contains an entry for this variant (Variation ID: 924370). Variants that disrupt the consensus splice site are a relatively common cause of aberrant splicing (PMID: 17576681, 9536098). Algorithms developed to predict the effect of sequence changes on RNA splicing suggest that this variant may disrupt the consensus splice site. In summary, the available evidence is currently insufficient to determine the role of this variant in disease. Therefore, it has been classified as a Variant of Uncertain Significance.

Color Diagnostics, LLC DBA Color Health
Classification: Uncertain significance for Hereditary cancer-predisposing syndrome. Last evaluated: 2019-09-16. Review status: criteria provided, single submitter. Criteria: ACMG Guidelines, 2015. Collection method: clinical testing. Allele origin: germline.
Comment: This variant causes an A>G nucleotide substitution at the +4 position of intron 21 of the ATM gene. Splice site prediction tools are inconclusive regarding the impact of this variant on RNA splicing. To our knowledge, functional studies have not been performed for this variant. This variant has been reported in an individual affected with breast cancer (PMID: 30306255). This variant has not been identified in the general population by the Genome Aggregation Database (gnomAD). The available evidence is insufficient to determine the role of this variant in disease conclusively. Therefore, this variant is classified as a Variant of Uncertain Significance.

Literature cited by the submitters: PubMed 30306255 (cited by Labcorp Genetics (formerly Invitae), Labcorp); PubMed 17576681 (cited by Labcorp Genetics (formerly Invitae), Labcorp); PubMed 9536098 (cited by Labcorp Genetics (formerly Invitae), Labcorp).